The following is an entry in ClinVar:

ClinVar aggregate classification (germline): Uncertain significance (1 of 4 stars; one submission).

Allele frequency attached by ClinVar (database versions not stated): gnomAD 0.00001; TOPMed 0.00001.
gnomAD v4.1: 58 of 1,613,692 alleles (0.0036%); highest among the groups gnomAD compares: Non-Finnish European, 0.0047%; no homozygotes.

Submission:

Labcorp Genetics (formerly Invitae), Labcorp
Classification: Uncertain significance. Last evaluated: 2025-03-17. Review status: criteria provided, single submitter. Criteria: Invitae Variant Classification Sherloc (09022015). Collection method: clinical testing. Allele origin: germline.
Comment: This sequence change replaces threonine, which is neutral and polar, with arginine, which is basic and polar, at codon 165 of the GNB3 protein (p.Thr165Arg). This variant is present in population databases (rs782130029, gnomAD 0.002%). This variant has not been reported in the literature in individuals affected with GNB3-related conditions. ClinVar contains an entry for this variant (Variation ID: 933572). Invitae Evidence Modeling of protein sequence and biophysical properties (such as structural, functional, and spatial information, amino acid conservation, physicochemical variation, residue mobility, and thermodynamic stability) has been performed for this missense variant. However, the output from this modeling did not meet the statistical confidence thresholds required to predict the impact of this variant on GNB3 protein function. Algorithms developed to predict the effect of sequence changes on RNA splicing suggest that this variant may disrupt the consensus splice site. In summary, the available evidence is currently insufficient to determine the role of this variant in disease. Therefore, it has been classified as a Variant of Uncertain Significance.

NM_002075.4(GNB3):c.494C>G (p.Thr165Arg)

Gene: GNB3 (G protein subunit beta 3; plus strand). Cytogenetic location: 12p13.31.
Variant type: single nucleotide variant.
Coding change: c.494C>G on transcript NM_002075.4 (MANE Select); coding-DNA position 494, C replaced by G.
Protein change: p.Thr165Arg; replaces threonine 165 with arginine.
Molecular consequence: missense variant.
Genome position (GRCh38, 1-based): chr12:6,843,695, C>G. VCF-style: chr12-6843695-C-G. GRCh37 (hg19) VCF-style: chr12-6952859-C-G.
Other names: c.494C>G, p.Thr165Ser (NM_001297571.2); short protein forms T165S, T165R.
Identifiers: ClinVar variation 933572 (VCV000933572.9), dbSNP rs782130029, ClinGen allele CA6417557.